The following is an entry in ClinVar:

ClinVar aggregate classification (germline): Pathogenic (1 of 4 stars; one submission).

Conditions:
LAMA2-related muscular dystrophy (LAMA2-RD). Also called: Laminin alpha 2-related dystrophy. Identifiers: MedGen C5679788, MONDO:0100228.

Submission:

Labcorp Genetics (formerly Invitae), Labcorp
Classification: Pathogenic for LAMA2-related muscular dystrophy. Last evaluated: 2025-10-21. Review status: criteria provided, single submitter. Criteria: Invitae Variant Classification Sherloc (09022015). Collection method: clinical testing. Allele origin: germline.
Comment: This sequence change affects a donor splice site in intron 2 of the LAMA2 gene. It is expected to disrupt RNA splicing. Variants that disrupt the donor or acceptor splice site typically lead to a loss of protein function (PMID: 16199547), and loss-of-function variants in LAMA2 are known to be pathogenic (PMID: 18700894, 32904964). This variant is not present in population databases (gnomAD no frequency). Disruption of this splice site has been observed in individuals with clinical features of congenital muscular dystrophy (PMID: 20207543, 30055037; internal data). Algorithms developed to predict the effect of sequence changes on RNA splicing suggest that this variant may disrupt the consensus splice site. For these reasons, this variant has been classified as Pathogenic.

Literature cited by the submitters: PubMed 16199547; PubMed 18700894; PubMed 32904964; PubMed 20207543; PubMed 30055037.

NM_000426.4(LAMA2):c.283+2T>C

Gene: LAMA2 (laminin subunit alpha 2; plus strand). Cytogenetic location: 6q22.33.
Variant type: single nucleotide variant.
Coding change: c.283+2T>C on transcript NM_000426.4 (MANE Select); the canonical splice donor site of the intron after coding-DNA position 283, T replaced by C.
Molecular consequence: splice donor variant.
Genome position (GRCh38, 1-based): chr6:129,050,090, T>C. VCF-style: chr6-129050090-T-C. GRCh37 (hg19) VCF-style: chr6-129371235-T-C.
Other names: c.283+2T>C (NM_001079823.2).
Identifiers: ClinVar variation 4799685 (VCV004799685.1).
Genomic context (GRCh38, chr6:129,050,090, plus strand): 5'-GCAGCCTGTGAGGAACCCGCAGTGTCGAATCTGCAATCAAAACAGCAGCAATCCAAACCG[T>C]ATGTATTTTAGTGTGTAGGTGTGTGGCGCTGGGTAGGATCTATAATTGTGAGATGTTGAG-3'